The following is an entry in ClinVar:

NM_001040108.2(MLH3):c.1246A>G (p.Thr416Ala)

Gene: MLH3 (mutL homolog 3; minus strand). Cytogenetic location: 14q24.3.
Variant type: single nucleotide variant.
Coding change: c.1246A>G on transcript NM_001040108.2 (MANE Select); coding-DNA position 1246, A replaced by G.
Protein change: p.Thr416Ala; replaces threonine 416 with alanine.
Molecular consequence: missense variant.
Genome position (GRCh38, 1-based): chr14:75,048,410, T>C on the plus strand (A>G on the coding strand, the complement: MLH3 is on the minus strand). VCF-style: chr14-75048410-T-C. GRCh37 (hg19) VCF-style: chr14-75515113-T-C.
Other names: c.1246A>G, p.Thr416Ala (NM_014381.3); short protein forms T416A.
Identifiers: ClinVar variation 3232431 (VCV003232431.1), dbSNP rs1892420307, ClinGen allele CA390446841.

ClinVar aggregate classification (germline): Uncertain significance (1 of 4 stars; one submission).

Allele frequency attached by ClinVar (database versions not stated): gnomAD 0.00001; gnomAD exomes 0.00001.
gnomAD v4.1: 4 of 1,607,922 alleles (0.00025%); highest among the groups gnomAD compares: African/African-American, 0.0027%; no homozygotes.

Submission:

Ambry Genetics
Classification: Uncertain significance. Last evaluated: 2023-12-15. Review status: criteria provided, single submitter. Criteria: Ambry Variant Classification Scheme 2023. Collection method: clinical testing. Allele origin: germline.
Comment: The p.T416A variant (also known as c.1246A>G), located in coding exon 1 of the MLH3 gene, results from an A to G substitution at nucleotide position 1246. The threonine at codon 416 is replaced by alanine, an amino acid with similar properties. This amino acid position is conserved. In addition, this alteration is predicted to be tolerated by in silico analysis. Since supporting evidence is limited at this time, the clinical significance of this alteration remains unclear.